The following is an entry in ClinVar:

NM_000493.4(COL10A1):c.1760del (p.Gly587fs)

Genes: COL10A1 (collagen type X alpha 1 chain; minus strand), NT5DC1 (5'-nucleotidase domain containing 1; plus strand). Cytogenetic location: 6q22.1.
Variant type: Deletion.
Coding change: c.1760del on transcript NM_000493.4 (MANE Select); coding-DNA position 1760, one base deleted (G; older notation c.1760delG).
Protein change: p.Gly587fs; shifts the reading frame from glycine 587.
Molecular consequence: frameshift variant. On other transcripts: intron variant (1).
Genome position (GRCh38, 1-based): chr6:116,120,356, C deleted on the plus strand (G on the coding strand, the reverse complement: COL10A1 is on the minus strand); the first of 2 consecutive C bases (chr6:116,120,356-116,120,357); deleting either gives the same sequence. VCF-style (leftmost placement, unchanged base first): chr6-116120355-TC-T. GRCh37 (hg19) VCF-style: chr6-116441518-TC-T.
Other names: c.1760del, p.Gly587fs (NM_001424106.1, NM_001424107.1); c.529+2412del (NM_152729.3); short protein forms G587fs.
Identifiers: ClinVar variation 1517998 (VCV001517998.8), dbSNP rs2114278893, ClinGen allele CA2573140420.

ClinVar aggregate classification (germline): Likely pathogenic (1 of 4 stars; one submission).

Submission:

Labcorp Genetics (formerly Invitae), Labcorp
Classification: Likely pathogenic. Last evaluated: 2023-12-19. Review status: criteria provided, single submitter. Criteria: Invitae Variant Classification Sherloc (09022015). Collection method: clinical testing. Allele origin: germline.
Comment: This sequence change creates a premature translational stop signal (p.Gly587Glufs*19) in the COL10A1 gene. While this is not anticipated to result in nonsense mediated decay, it is expected to disrupt the last 94 amino acid(s) of the COL10A1 protein. This variant is not present in population databases (gnomAD no frequency). This premature translational stop signal has been observed in individual(s) with clinical features of autosomal dominant metaphyseal chondrodysplasia, Schmid type (Invitae). ClinVar contains an entry for this variant (Variation ID: 1517998). This variant is located in a region of the COL10A1 protein where a significant number of COL10A1 nonsense and frameshift mutations have been reported in association with autosomal dominant metaphyseal chondrodysplasia (PMID: 21447328, 33764685, 36400164). In summary, the currently available evidence indicates that the variant is pathogenic, but additional data are needed to prove that conclusively. Therefore, this variant has been classified as Likely Pathogenic.

Literature cited by the submitters: PubMed 21447328; PubMed 33764685; PubMed 36400164.